The following is an entry in ClinVar:

NM_017654.4(SAMD9):c.374C>A (p.Pro125Gln)

Gene: SAMD9 (sterile alpha motif domain containing 9; minus strand). Cytogenetic location: 7q21.2.
Variant type: single nucleotide variant.
Coding change: c.374C>A on transcript NM_017654.4 (MANE Select); coding-DNA position 374, C replaced by A.
Protein change: p.Pro125Gln; replaces proline 125 with glutamine.
Molecular consequence: missense variant.
Genome position (GRCh38, 1-based): chr7:93,105,724, G>T on the plus strand (C>A on the coding strand, the complement: SAMD9 is on the minus strand). VCF-style: chr7-93105724-G-T. GRCh37 (hg19) VCF-style: chr7-92735037-G-T.
Other names: c.374C>A, p.Pro125Gln (NM_001193307.2); short protein forms P125Q.
Identifiers: ClinVar variation 4629980 (VCV004629980.1).

ClinVar aggregate classification (germline): Uncertain significance (1 of 4 stars; one submission).

Conditions:
Inborn genetic diseases. Identifiers: MedGen C0950123, MeSH D030342.

Submission:

Ambry Genetics
Classification: Uncertain significance for Inborn genetic diseases. Last evaluated: 2025-12-06. Review status: criteria provided, single submitter. Criteria: Ambry Variant Classification Scheme 2023. Collection method: clinical testing. Allele origin: germline.
Comment: The p.P125Q variant (also known as c.374C>A), located in coding exon 1 of the SAMD9 gene, results from a C to A substitution at nucleotide position 374. The proline at codon 125 is replaced by glutamine, an amino acid with similar properties. This amino acid position is conserved. In addition, this alteration is predicted to be tolerated by in silico analysis. Based on the available evidence, the clinical significance of this variant remains unclear.